The following is an entry in ClinVar:

NM_201384.3(PLEC):c.11837G>A (p.Arg3946Gln)

Gene: PLEC (plectin; minus strand). Cytogenetic location: 8q24.3.
Variant type: single nucleotide variant.
Coding change: c.11837G>A on transcript NM_201384.3 (MANE Select); coding-DNA position 11837, G replaced by A.
Protein change: p.Arg3946Gln; replaces arginine 3946 with glutamine.
Molecular consequence: missense variant.
Genome position (GRCh38, 1-based): chr8:143,917,984, C>T on the plus strand (G>A on the coding strand, the complement: PLEC is on the minus strand). VCF-style: chr8-143917984-C-T. GRCh37 (hg19) VCF-style: chr8-144992152-C-T.
Other names: c.11918G>A, p.Arg3973Gln (NM_000445.5); c.11795G>A, p.Arg3932Gln (NM_201378.4); c.11771G>A, p.Arg3924Gln (NM_201379.3); c.12248G>A, p.Arg4083Gln (NM_201380.4); c.11741G>A, p.Arg3914Gln (NM_201381.3); c.11837G>A, p.Arg3946Gln (NM_201382.4); c.11849G>A, p.Arg3950Gln (NM_201383.3); c.11918G>A (NM_000445.3); short protein forms R3914Q, R3924Q, R3932Q, R3946Q, R3950Q, R3973Q, R4083Q.
Identifiers: ClinVar variation 1010673 (VCV001010673.10), dbSNP rs782131159, ClinGen allele CA4924237.
Genomic context (GRCh38, chr8:143,917,984, plus strand): 5'-AGCTCAAAGGCTGTGCCGGGGCGGATGATGCCCTTCTTCATGGCCTGGTACACCGAGAGC[C>T]GTTCCTTGGTGGCGTCCACGAAGACACCAGCGATGCAGCTGGTGCCTTCCAGGAACTTCT-3'
Protein context (NP_958786.1, residues 3936-3956): AGVFVDATKE[Arg3946Gln]LSVYQAMKKG

ClinVar aggregate classification (germline): Uncertain significance. Review status: criteria provided, multiple submitters, no conflicts (2 of 4 stars). 2 submissions from 2 submitters: Uncertain significance (2). Last evaluated 2025-09-01.

Conditions:
Epidermolysis bullosa simplex 5B, with muscular dystrophy (EBS5B). Also called: EPIDERMOLYSIS BULLOSA SIMPLEX AND LIMB-GIRDLE MUSCULAR DYSTROPHY; Epidermolysis bullosa simplex with muscular dystrophy. Identifiers: Orphanet 257, MedGen C2931072, MONDO:0009181, OMIM 226670.
Epidermolysis bullosa simplex, Ogna type (EBS5A). Also called: EPIDERMOLYSIS BULLOSA SIMPLEX 5A, OGNA TYPE; Pidermolysis bullosa simplex 5A, Ogna type. Identifiers: Orphanet 79401, MedGen C0432317, MONDO:0007555, OMIM 131950.
Epidermolysis bullosa simplex 5C, with pyloric atresia (EBS5C). Also called: Epidermolysis bullosa simplex with pyloric atresia; PLEC-Related Epidermolysis Bullosa with Pyloric Atresia; PLEC1-Related Epidermolysis Bullosa with Pyloric Atresia. Identifiers: Orphanet 158684, MedGen C2677349, MONDO:0012807, OMIM 612138.
Autosomal recessive limb-girdle muscular dystrophy type 2Q (LGMDR17). Also called: MUSCULAR DYSTROPHY, LIMB-GIRDLE, AUTOSOMAL RECESSIVE 17. Identifiers: Orphanet 254361, MedGen C3150989, MONDO:0013390, OMIM 613723.
Epidermolysis bullosa simplex with nail dystrophy (EBS5D). Identifiers: MedGen C4225309, MONDO:0014661, OMIM 616487.
Inborn genetic diseases. Identifiers: MedGen C0950123, MeSH D030342.

Allele frequency attached by ClinVar (database versions not stated): ExAC 0.00001; gnomAD 0.00001; gnomAD exomes 0.00002; TOPMed 0.00002.
gnomAD v4.1: 33 of 1,612,478 alleles (0.002%); highest among the groups gnomAD compares: East Asian, 0.0067%; no homozygotes.

Submissions (2):

Ambry Genetics
Classification: Uncertain significance for Inborn genetic diseases. Last evaluated: 2025-09-01. Review status: criteria provided, single submitter. Criteria: Ambry Variant Classification Scheme 2023. Collection method: clinical testing. Allele origin: germline.

Labcorp Genetics (formerly Invitae), Labcorp
Classification: Uncertain significance for Autosomal recessive limb-girdle muscular dystrophy type 2Q; Epidermolysis bullosa simplex, Ogna type; Epidermolysis bullosa simplex with nail dystrophy; Epidermolysis bullosa simplex 5C, with pyloric atresia; Epidermolysis bullosa simplex 5B, with muscular dystrophy. Last evaluated: 2022-06-20. Review status: criteria provided, single submitter. Criteria: Invitae Variant Classification Sherloc (09022015). Collection method: clinical testing. Allele origin: germline.
Comment: In summary, the available evidence is currently insufficient to determine the role of this variant in disease. Therefore, it has been classified as a Variant of Uncertain Significance. Algorithms developed to predict the effect of missense changes on protein structure and function (SIFT, PolyPhen-2, Align-GVGD) all suggest that this variant is likely to be disruptive. ClinVar contains an entry for this variant (Variation ID: 1010673). This variant has not been reported in the literature in individuals affected with PLEC-related conditions. This variant is present in population databases (rs782131159, gnomAD 0.006%). This sequence change replaces arginine, which is basic and polar, with glutamine, which is neutral and polar, at codon 3973 of the PLEC protein (p.Arg3973Gln).